The following is an entry in ClinVar:

ClinVar aggregate classification (germline): Benign/Likely benign. Review status: criteria provided, multiple submitters, no conflicts (2 of 4 stars). 7 submissions from 6 submitters: Benign (3); Likely benign (3). 1 of the submissions does not count toward it. Last evaluated 2026-01-17.

Conditions:
Autosomal dominant nocturnal frontal lobe epilepsy 5. Also called: Epilepsy, nocturnal frontal lobe, 5; CILIARY DYSKINESIA, PRIMARY, 28, WITHOUT SITUS INVERSUS; CILIARY DYSKINESIA, PRIMARY, 28, WITH SITUS INVERSUS; KCNT1-Related Epilepsy. Identifiers: Orphanet 98784, MedGen C3554306, MONDO:0014002, OMIM 615005.
Developmental and epileptic encephalopathy, 14 (DEE14). Also called: Early infantile epileptic encephalopathy 14. Identifiers: Orphanet 293181, MedGen C3554195, MONDO:0013989, OMIM 614959.
KCNT1-related disorder. Also called: KCNT1-related condition.

Allele frequency attached by ClinVar (database versions not stated): gnomAD exomes 0.00003 and 0.00010; ExAC 0.00008; ESP Exome Variant Server 0.00008; TOPMed 0.00021; gnomAD 0.00028 and 0.00029; 1000 Genomes Project 30x 0.00062; 1000 Genomes Project 0.00080.
gnomAD v4.1: 85 of 1,610,264 alleles (0.0053%); highest among the groups gnomAD compares: African/African-American, 0.061%; 1 homozygote.

Submissions (7):

Labcorp Genetics (formerly Invitae), Labcorp
Classification: Benign for Autosomal dominant nocturnal frontal lobe epilepsy 5; Developmental and epileptic encephalopathy, 14. Last evaluated: 2026-01-17. Review status: criteria provided, single submitter. Criteria: Invitae Variant Classification Sherloc (09022015). Collection method: clinical testing. Allele origin: germline.

Blueprint Genetics
Classification: Likely benign. Last evaluated: 2023-06-13. Review status: criteria provided, single submitter. Criteria: ACMG Guidelines, 2015. Collection method: clinical testing. Allele origin: germline.

Genome-Nilou Lab
Classification: Benign for Developmental and epileptic encephalopathy, 14. Last evaluated: 2022-03-15. Review status: criteria provided, single submitter. Criteria: ACMG Guidelines, 2015. Collection method: clinical testing. Allele origin: germline. Affected: no.

Genome-Nilou Lab
Classification: Benign for Autosomal dominant nocturnal frontal lobe epilepsy 5. Last evaluated: 2022-03-15. Review status: criteria provided, single submitter. Criteria: ACMG Guidelines, 2015. Collection method: clinical testing. Allele origin: germline. Affected: no.

Laboratorio de Genetica e Diagnostico Molecular, Hospital Israelita Albert Einstein
Classification: Likely benign. Last evaluated: 2020-01-03. Review status: criteria provided, single submitter. Criteria: ACMG Guidelines, 2015. Collection method: clinical testing. Allele origin: germline. Affected: yes.
Comment: ACMG classification criteria: BS1, BP4

GeneDx
Classification: Likely benign. Last evaluated: 2017-04-03. Review status: criteria provided, single submitter. Criteria: GeneDx Variant Classification (06012015). Collection method: clinical testing. Allele origin: germline. Affected: yes.
Comment: This variant is considered likely benign or benign based on one or more of the following criteria: it is a conservative change, it occurs at a poorly conserved position in the protein, it is predicted to be benign by multiple in silico algorithms, and/or has population frequency not consistent with disease.

PreventionGenetics, part of Exact Sciences
Classification: Likely benign for KCNT1-related condition. Last evaluated: 2019-08-13. Review status: no assertion criteria provided. Collection method: clinical testing. Allele origin: germline. Not counted in ClinVar's aggregate classification.
Comment: This variant is classified as likely benign based on ACMG/AMP sequence variant interpretation guidelines (Richards et al. 2015 PMID: 25741868, with internal and published modifications).

NM_020822.3(KCNT1):c.334+10G>A

Gene: KCNT1 (potassium sodium-activated channel subfamily T member 1; plus strand). Cytogenetic location: 9q34.3.
Variant type: single nucleotide variant.
Coding change: c.334+10G>A on transcript NM_020822.3 (MANE Select); 10 bases into the intron after coding-DNA position 334, G replaced by A.
Molecular consequence: intron variant.
Genome position (GRCh38, 1-based): chr9:135,750,187, G>A. VCF-style: chr9-135750187-G-A. GRCh37 (hg19) VCF-style: chr9-138642033-G-A.
Other names: c.190+10G>A (NM_001272003.2).
Identifiers: ClinVar variation 383626 (VCV000383626.16), dbSNP rs185209587, ClinGen allele CA5326365.